The following is an entry in ClinVar:

ClinVar aggregate classification (germline): Uncertain significance (1 of 4 stars; one submission).

Conditions:
Inborn genetic diseases. Identifiers: MedGen C0950123, MeSH D030342.

Submission:

Ambry Genetics
Classification: Uncertain significance for Inborn genetic diseases. Last evaluated: 2026-08-03. Review status: criteria provided, single submitter. Criteria: Ambry Variant Classification Scheme 2023. Collection method: clinical testing. Allele origin: germline.
Comment: The p.P38H variant (also known as c.113C>A), located in coding exon 1 of the ANKRD26 gene, results from a C to A substitution at nucleotide position 113. The proline at codon 38 is replaced by histidine, an amino acid with similar properties. This amino acid position is conserved. In addition, this alteration is predicted to be tolerated by in silico analysis. Based on the available evidence, the clinical significance of this variant remains unclear.

NM_014915.3(ANKRD26):c.113C>A (p.Pro38His)

Genes: ANKRD26 (ankyrin repeat domain 26; minus strand), LOC130003554 (ATAC-STARR-seq lymphoblastoid silent region 2243; plus strand). Cytogenetic location: 10p12.1.
Variant type: single nucleotide variant.
Coding change: c.113C>A on transcript NM_014915.3 (MANE Select); coding-DNA position 113, C replaced by A.
Protein change: p.Pro38His; replaces proline 38 with histidine.
Molecular consequence: missense variant.
Genome position (GRCh38, 1-based): chr10:27,100,214, G>T on the plus strand (C>A on the coding strand, the complement: ANKRD26 is on the minus strand). VCF-style: chr10-27100214-G-T. GRCh37 (hg19) VCF-style: chr10-27389143-G-T.
Other names: c.113C>A, p.Pro38His (NM_001256053.2); short protein forms P38H.
Identifiers: ClinVar variation 5023430 (VCV005023430.1).